The following is an entry in ClinVar:

ClinVar aggregate classification (germline): Benign/Likely benign. Review status: criteria provided, multiple submitters, no conflicts (2 of 4 stars). 7 submissions from 7 submitters: Benign (2); Likely benign (4). 1 of the submissions does not count toward it. Last evaluated 2026-01-28.

Conditions:
COG5-related disorder. Also called: COG5-related condition.
COG5-congenital disorder of glycosylation. Also called: CDG IIi; CONGENITAL DISORDER OF GLYCOSYLATION, TYPE IIi; COG5-CDG. Identifiers: Orphanet 263487, MedGen C3150876, MONDO:0013325, OMIM 613612.

Allele frequency attached by ClinVar (database versions not stated): ExAC 0.00099; ESP Exome Variant Server 0.00346; gnomAD 0.00350 and 0.00385; TOPMed 0.00373; 1000 Genomes Project 30x 0.00437; 1000 Genomes Project 0.00439.
gnomAD v4.1: 1,020 of 1,613,500 alleles (0.063%); highest among the groups gnomAD compares: African/African-American, 1.2%; 7 homozygotes.

Submissions (7):

Labcorp Genetics (formerly Invitae), Labcorp
Classification: Benign for COG5-congenital disorder of glycosylation. Last evaluated: 2026-01-28. Review status: criteria provided, single submitter. Criteria: Invitae Variant Classification Sherloc (09022015). Collection method: clinical testing. Allele origin: germline.

Blueprint Genetics
Classification: Likely benign. Last evaluated: 2024-11-25. Review status: criteria provided, single submitter. Criteria: ACMG Guidelines, 2015. Collection method: clinical testing. Allele origin: germline.

CeGaT Center for Human Genetics Tuebingen
Classification: Benign. Last evaluated: 2023-09-01. Review status: criteria provided, single submitter. Criteria: CeGaT Center For Human Genetics Tuebingen Variant Classification Criteria Version 2. Collection method: clinical testing. Allele origin: germline. Affected: yes. Observed: 1 variant allele.
Comment: COG5: BP4, BP7, BS1, BS2

Illumina Laboratory Services, Illumina
Classification: Likely benign for COG5-congenital disorder of glycosylation. Last evaluated: 2018-01-13. Review status: criteria provided, single submitter. Criteria: ICSL Variant Classification Criteria 13 December 2019. Collection method: clinical testing. Allele origin: germline.
Comment: This variant was observed in the ICSL laboratory as part of a predisposition screen in an ostensibly healthy population. It had not been previously curated by ICSL or reported in the Human Gene Mutation Database (HGMD: prior to June 1st, 2018), and was therefore a candidate for classification through an automated scoring system. Utilizing variant allele frequency, disease prevalence and penetrance estimates, and inheritance mode, an automated score was calculated to assess if this variant is too frequent to cause the disease. Based on the score and internal cut-off values, a variant classified as likely benign is not then subjected to further curation. The score for this variant resulted in a classification of likely benign for this disease.

GeneDx
Classification: Likely benign. Last evaluated: 2017-07-07. Review status: criteria provided, single submitter. Criteria: GeneDx Variant Classification (06012015). Collection method: clinical testing. Allele origin: germline. Affected: yes.
Comment: This variant is considered likely benign or benign based on one or more of the following criteria: it is a conservative change, it occurs at a poorly conserved position in the protein, it is predicted to be benign by multiple in silico algorithms, and/or has population frequency not consistent with disease.

Breakthrough Genomics
Classification: Likely benign. Review status: criteria provided, single submitter. Criteria: ACMG Guidelines, 2015. Collection method: not provided. Allele origin: germline. Inheritance: Autosomal recessive inheritance. Affected: yes.

PreventionGenetics, part of Exact Sciences
Classification: Benign for COG5-related condition. Last evaluated: 2024-08-20. Review status: no assertion criteria provided. Collection method: clinical testing. Allele origin: germline. Not counted in ClinVar's aggregate classification.
Comment: This variant is classified as benign based on ACMG/AMP sequence variant interpretation guidelines (Richards et al. 2015 PMID: 25741868, with internal and published modifications).

NM_006348.5(COG5):c.735T>A (p.Ile245=)

Gene: COG5 (component of oligomeric golgi complex 5; minus strand). Cytogenetic location: 7q22.3.
Variant type: single nucleotide variant.
Coding change: c.735T>A on transcript NM_006348.5 (MANE Select); coding-DNA position 735, T replaced by A.
Protein change: p.Ile245=; no amino-acid change (isoleucine 245 retained).
Molecular consequence: synonymous variant. On other transcripts: intron variant (2).
Genome position (GRCh38, 1-based): chr7:107,372,695, A>T on the plus strand (T>A on the coding strand, the complement: COG5 is on the minus strand). VCF-style: chr7-107372695-A-T. GRCh37 (hg19) VCF-style: chr7-107013140-A-T.
Other names: c.735T>A, p.Ile245= (NM_001161520.2, NM_001379511.1, NM_001379512.1 and 3 more transcripts); c.235-10585T>A (NM_001379516.1); c.539-74349T>A (NM_001379515.1).
Identifiers: ClinVar variation 358469 (VCV000358469.41), dbSNP rs116603307, ClinGen allele CA4431123.